The following is an entry in ClinVar:

ClinVar aggregate classification (germline): Uncertain significance. Review status: criteria provided, multiple submitters, no conflicts (2 of 4 stars). 2 submissions from 2 submitters: Uncertain significance (2). Last evaluated 2024-05-07.

Conditions:
Intellectual disability, autosomal recessive 53 (NEDHSCA). Also called: GLYCOSYLPHOSPHATIDYLINOSITOL BIOSYNTHESIS DEFECT 13; Mental retardation, autosomal recessive 53; NEURODEVELOPMENTAL DISORDER WITH OR WITHOUT HYPOTONIA, SEIZURES, AND CEREBELLAR ATROPHY. Identifiers: Orphanet 488635, MedGen C4310794, MONDO:0014832, OMIM 616917.
Inborn genetic diseases. Identifiers: MedGen C0950123, MeSH D030342.

gnomAD v4.1: 5 of 1,600,730 alleles (0.00031%); highest among the groups gnomAD compares: Admixed American, 0.005%; no homozygotes.

Submissions (2):

Ambry Genetics
Classification: Uncertain significance for Inborn genetic diseases. Last evaluated: 2024-05-07. Review status: criteria provided, single submitter. Criteria: Ambry Variant Classification Scheme 2023. Collection method: clinical testing. Allele origin: germline.

Labcorp Genetics (formerly Invitae), Labcorp
Classification: Uncertain significance for Intellectual disability, autosomal recessive 53. Last evaluated: 2022-07-04. Review status: criteria provided, single submitter. Criteria: Invitae Variant Classification Sherloc (09022015). Collection method: clinical testing. Allele origin: germline.
Comment: This sequence change replaces proline, which is neutral and non-polar, with histidine, which is basic and polar, at codon 44 of the PIGG protein (p.Pro44His). This variant is present in population databases (no rsID available, gnomAD 0.009%). This variant has not been reported in the literature in individuals affected with PIGG-related conditions. ClinVar contains an entry for this variant (Variation ID: 1385863). Algorithms developed to predict the effect of missense changes on protein structure and function are either unavailable or do not agree on the potential impact of this missense change (SIFT: "Tolerated"; PolyPhen-2: "Possibly Damaging"; Align-GVGD: "Class C0"). In summary, the available evidence is currently insufficient to determine the role of this variant in disease. Therefore, it has been classified as a Variant of Uncertain Significance.

NM_001127178.3(PIGG):c.131C>A (p.Pro44His)

Gene: PIGG (phosphatidylinositol glycan anchor biosynthesis class G (EMM blood group); plus strand). Cytogenetic location: 4p16.3.
Variant type: single nucleotide variant.
Coding change: c.131C>A on transcript NM_001127178.3 (MANE Select); coding-DNA position 131, C replaced by A.
Protein change: p.Pro44His; replaces proline 44 with histidine.
Molecular consequence: missense variant. On other transcripts: 5 prime UTR variant (9), non-coding transcript variant (10), intron variant (1).
Genome position (GRCh38, 1-based): chr4:499,466, C>A. VCF-style: chr4-499466-C-A. GRCh37 (hg19) VCF-style: chr4-493255-C-A.
Other names: c.131C>A, p.Pro44His (NM_001289052.2, NM_001345989.2, NM_017733.5); c.-695C>A (NM_001289053.2); c.-306C>A (NM_001289055.2); c.-373C>A (NM_001289057.2, NM_001345986.2, NM_001345987.2); c.-993C>A (NM_001345988.2); c.-1495C>A (NM_001345990.2); c.-1593C>A (NM_001345991.2); c.-1318C>A (NM_001345994.2); and 2 more; short protein forms P44H.
Identifiers: ClinVar variation 1385863 (VCV001385863.6), dbSNP rs1192177850, ClinGen allele CA355889066.